The following is an entry in ClinVar:

ClinVar aggregate classification (germline): Uncertain significance (1 of 4 stars; one submission).

Conditions:
Mucopolysaccharidosis, MPS-IV-A (MPS4A). Also called: Mucopolysaccharidosis type IV A; Mucopolysaccharidosis Type IVA; Morquio syndrome A, mild; MORQUIO SYNDROME A; MPS IVA; mucopolysaccharidosis type 4A. Identifiers: Orphanet 309297, Orphanet 582, MedGen C0086651, MONDO:0009659, OMIM 253000.

Submission:

Laboratory of Diagnosis and Therapy of Lysosomal Disorders, University of Padova
Classification: Uncertain significance for Mucopolysaccharidosis, MPS-IV-A. Last evaluated: 2021-02-01. Review status: criteria provided, single submitter. Criteria: ACMG Guidelines, 2015. Collection method: curation. Allele origin: germline. Affected: yes.
Comment: Absent from gnomAD v2.1.1 (PM2_moderate); multiple lines of computational evidence support a deleterious effect on the gene (PP3_supporting)

Literature cited by the submitters: PubMed 9298823; PubMed 34387910.

NM_000512.5(GALNS):c.536C>A (p.Pro179His)

Gene: GALNS (galactosamine (N-acetyl)-6-sulfatase; minus strand). Cytogenetic location: 16q24.3.
Variant type: single nucleotide variant.
Coding change: c.536C>A on transcript NM_000512.5 (MANE Select); coding-DNA position 536, C replaced by A.
Protein change: p.Pro179His; replaces proline 179 with histidine.
Molecular consequence: missense variant. On other transcripts: 5 prime UTR variant (1).
Genome position (GRCh38, 1-based): chr16:88,837,652, G>T on the plus strand (C>A on the coding strand, the complement: GALNS is on the minus strand). VCF-style: chr16-88837652-G-T. GRCh37 (hg19) VCF-style: chr16-88904060-G-T.
Other names: c.-20C>A (NM_001323543.2); c.554C>A, p.Pro185His (NM_001323544.2); short protein forms P179H, P185H.
Identifiers: ClinVar variation 1048288 (VCV001048288.3), dbSNP rs1912278519, ClinGen allele CA397082739.
Genomic context (GRCh38, chr16:88,837,652, plus strand): 5'-GTGGGAGGGGAAGGGGTGGGGCTCCATTACCTGCCAACCATCTCCCAGTCCCTGTACACA[G>T]GGATGTTGGGCCTGGCCTTGTTGTCATAAGGTCCAAAGTGGCAGTTGGGGGATCCAAACC-3'
Protein context (NP_000503.1, residues 169-189): PYDNKARPNI[Pro179His]VYRDWEMVGR